The following is an entry in ClinVar:

NM_001386140.1(MTTP):c.2033C>A (p.Thr678Asn)

Gene: MTTP (microsomal triglyceride transfer protein; plus strand). Cytogenetic location: 4q23.
Variant type: single nucleotide variant.
Coding change: c.2033C>A on transcript NM_001386140.1 (MANE Select); coding-DNA position 2033, C replaced by A.
Protein change: p.Thr678Asn; replaces threonine 678 with asparagine.
Molecular consequence: missense variant.
Genome position (GRCh38, 1-based): chr4:99,612,956, C>A. VCF-style: chr4-99612956-C-A. GRCh37 (hg19) VCF-style: chr4-100534113-C-A.
Other names: c.2033C>A, p.Thr678Asn (NM_000253.4); c.1784C>A, p.Thr595Asn (NM_001300785.2); short protein forms T678N, T595N.
Identifiers: ClinVar variation 836660 (VCV000836660.6), dbSNP rs1456238919, ClinGen allele CA357516664.

ClinVar aggregate classification (germline): Uncertain significance (1 of 4 stars; one submission).

Submission:

Labcorp Genetics (formerly Invitae), Labcorp
Classification: Uncertain significance. Last evaluated: 2020-02-24. Review status: criteria provided, single submitter. Criteria: Invitae Variant Classification Sherloc (09022015). Collection method: clinical testing. Allele origin: germline.
Comment: This sequence change replaces threonine with asparagine at codon 678 of the MTTP protein (p.Thr678Asn). The threonine residue is moderately conserved and there is a small physicochemical difference between threonine and asparagine. This variant is not present in population databases (ExAC no frequency). This variant has not been reported in the literature in individuals with MTTP-related conditions. Algorithms developed to predict the effect of missense changes on protein structure and function are either unavailable or do not agree on the potential impact of this missense change (SIFT: "Deleterious"; PolyPhen-2: "Benign"; Align-GVGD: "Class C0"). In summary, the available evidence is currently insufficient to determine the role of this variant in disease. Therefore, it has been classified as a Variant of Uncertain Significance.